The following is an entry in ClinVar:

NM_024426.6(WT1):c.*12C>T

Gene: WT1 (WT1 transcription factor; minus strand). Cytogenetic location: 11p13.
Variant type: single nucleotide variant.
Coding change: c.*12C>T on transcript NM_024426.6 (MANE Select); 12 bases downstream of the stop codon, C replaced by T.
Molecular consequence: 3 prime UTR variant. On other transcripts: non-coding transcript variant (1).
Genome position (GRCh38, 1-based): chr11:32,389,046, G>A on the plus strand (C>T on the coding strand, the complement: WT1 is on the minus strand). VCF-style: chr11-32389046-G-A. GRCh37 (hg19) VCF-style: chr11-32410592-G-A.
Other names: c.*12C>T (NM_000378.6, NM_001198551.2, NM_001198552.2 and 11 more transcripts).
Identifiers: ClinVar variation 877954 (VCV000877954.6), dbSNP rs77462662, ClinGen allele CA064450.

ClinVar aggregate classification (germline): Conflicting classifications of pathogenicity. Review status: criteria provided, conflicting classifications (1 of 4 stars). 4 submissions from 2 submitters: Uncertain significance (1); Benign (1); Likely benign (1). 1 of the submissions does not count toward it. Last evaluated 2018-01-12.

Conditions:
Nephrotic syndrome, type 4 (NPHS4). Also called: Familial mesangial sclerosis; Nephrotic syndrome, early onset with diffuse mesangial sclerosis. Identifiers: Orphanet 656, MedGen C3151568, MONDO:0009733, OMIM 256370.
WT1-related disorder. Also called: WT1-related disorders. Identifiers: MedGen CN377814.
Meacham syndrome. Also called: Meacham Winn Culler syndrome. Identifiers: Orphanet 3097, MedGen C1837026, MONDO:0012164, OMIM 608978.
Wilms tumor 1 (WT1). Also called: Wilms tumor, somatic. Identifiers: Orphanet 654, MedGen CN033288, MONDO:0008679, OMIM 194070.

Allele frequency attached by ClinVar (database versions not stated): gnomAD exomes 0.00006 and 0.00009; TOPMed 0.00040; gnomAD 0.00032 and 0.00034; 1000 Genomes Project 30x 0.00125; ExAC 0.00014; ESP Exome Variant Server 0.00015; 1000 Genomes Project 0.00100.

Submissions (4):

Illumina Laboratory Services, Illumina
Classification: Uncertain significance for Nephrotic syndrome, type 4. Last evaluated: 2018-01-12. Review status: criteria provided, single submitter. Criteria: ICSL Variant Classification Criteria 13 December 2019. Collection method: clinical testing. Allele origin: germline.

Illumina Laboratory Services, Illumina
Classification: Likely benign for Wilms tumor 1. Last evaluated: 2018-01-12. Review status: criteria provided, single submitter. Criteria: ICSL Variant Classification Criteria 13 December 2019. Collection method: clinical testing. Allele origin: germline.
Comment: This variant was observed in the ICSL laboratory as part of a predisposition screen in an ostensibly healthy population. It had not been previously curated by ICSL or reported in the Human Gene Mutation Database (HGMD: prior to June 1st, 2018), and was therefore a candidate for classification through an automated scoring system. Utilizing variant allele frequency, disease prevalence and penetrance estimates, and inheritance mode, an automated score was calculated to assess if this variant is too frequent to cause the disease. Based on the score and internal cut-off values, a variant classified as likely benign is not then subjected to further curation. The score for this variant resulted in a classification of likely benign for this disease.

Illumina Laboratory Services, Illumina
Classification: Benign for Meacham syndrome. Last evaluated: 2018-01-12. Review status: criteria provided, single submitter. Criteria: ICSL Variant Classification Criteria 13 December 2019. Collection method: clinical testing. Allele origin: germline.
Comment: This variant was observed in the ICSL laboratory as part of a predisposition screen in an ostensibly healthy population. It had not been previously curated by ICSL or reported in the Human Gene Mutation Database (HGMD: prior to June 1st, 2018), and was therefore a candidate for classification through an automated scoring system. Utilizing variant allele frequency, disease prevalence and penetrance estimates, and inheritance mode, an automated score was calculated to assess if this variant is too frequent to cause the disease. Based on the score and internal cut-off values, a variant classified as benign is not then subjected to further curation. The score for this variant resulted in a classification of benign for this disease.

PreventionGenetics, part of Exact Sciences
Classification: Likely benign for WT1-related condition. Last evaluated: 2024-03-27. Review status: no assertion criteria provided. Collection method: clinical testing. Allele origin: germline. Not counted in ClinVar's aggregate classification.
Comment: This variant is classified as likely benign based on ACMG/AMP sequence variant interpretation guidelines (Richards et al. 2015 PMID: 25741868, with internal and published modifications).